The following is an entry in ClinVar:

ClinVar aggregate classification (germline): Uncertain significance (1 of 4 stars; one submission).

Allele frequency attached by ClinVar (database versions not stated): gnomAD exomes below 0.00001.
gnomAD v4.1: 1 of 1,609,854 alleles (0.000062%); highest among the groups gnomAD compares: Non-Finnish European, 0.000085%; no homozygotes.

Submission:

Labcorp Genetics (formerly Invitae), Labcorp
Classification: Uncertain significance. Last evaluated: 2022-11-23. Review status: criteria provided, single submitter. Criteria: Invitae Variant Classification Sherloc (09022015). Collection method: clinical testing. Allele origin: germline.
Comment: In summary, the available evidence is currently insufficient to determine the role of this variant in disease. Therefore, it has been classified as a Variant of Uncertain Significance. Advanced modeling of protein sequence and biophysical properties (such as structural, functional, and spatial information, amino acid conservation, physicochemical variation, residue mobility, and thermodynamic stability) performed at Invitae indicates that this missense variant is not expected to disrupt NR2E3 protein function. This variant has not been reported in the literature in individuals affected with NR2E3-related conditions. This variant is present in population databases (no rsID available, gnomAD 0.0009%). This sequence change replaces arginine, which is basic and polar, with histidine, which is basic and polar, at codon 385 of the NR2E3 protein (p.Arg385His).

NM_014249.4(NR2E3):c.1154G>A (p.Arg385His)

Gene: NR2E3 (nuclear receptor subfamily 2 group E member 3; plus strand). Cytogenetic location: 15q23.
Variant type: single nucleotide variant.
Coding change: c.1154G>A on transcript NM_014249.4 (MANE Select); coding-DNA position 1154, G replaced by A.
Protein change: p.Arg385His; replaces arginine 385 with histidine.
Molecular consequence: missense variant.
Genome position (GRCh38, 1-based): chr15:71,817,605, G>A. VCF-style: chr15-71817605-G-A. GRCh37 (hg19) VCF-style: chr15-72109946-G-A.
Other names: short protein forms R385H.
Identifiers: ClinVar variation 3000529 (VCV003000529.3), dbSNP rs766769900, ClinGen allele CA393041371.